The following is an entry in ClinVar:

NC_000019.10:g.39480596G>A

Gene: TIMM50 (translocase of inner mitochondrial membrane 50; plus strand). Cytogenetic location: 19q13.2.
Variant type: single nucleotide variant.
Genome position: GRCh38 VCF-style: chr19-39480596-G-A. GRCh37 (hg19) VCF-style: chr19-39971236-G-A.
Identifiers: ClinVar variation 1464470 (VCV001464470.9), dbSNP rs2079461220, ClinGen allele CA405784399.

ClinVar aggregate classification (germline): Uncertain significance (1 of 4 stars; one submission).

Submission:

Labcorp Genetics (formerly Invitae), Labcorp
Classification: Uncertain significance. Last evaluated: 2022-10-08. Review status: criteria provided, single submitter. Criteria: Invitae Variant Classification Sherloc (09022015). Collection method: clinical testing. Allele origin: germline.
Comment: This variant is not present in population databases (gnomAD no frequency). This sequence change replaces valine, which is neutral and non-polar, with isoleucine, which is neutral and non-polar, at codon 18 of the TIMM50 protein (p.Val18Ile). This variant has not been reported in the literature in individuals affected with TIMM50-related conditions. In summary, the available evidence is currently insufficient to determine the role of this variant in disease. Therefore, it has been classified as a Variant of Uncertain Significance. Algorithms developed to predict the effect of missense changes on protein structure and function output the following: SIFT: "Not Available"; PolyPhen-2: "Benign"; Align-GVGD: "Not Available". The isoleucine amino acid residue is found in multiple mammalian species, which suggests that this missense change does not adversely affect protein function. ClinVar contains an entry for this variant (Variation ID: 1464470).